The following is an entry in ClinVar:

NM_206933.4(USH2A):c.1840+2dup

Gene: USH2A (usherin; minus strand). Cytogenetic location: 1q41.
Variant type: Duplication.
Coding change: c.1840+2dup on transcript NM_206933.4 (MANE Select); the canonical splice donor site of the intron after coding-DNA position 1840, one base duplicated (T; older notation c.1840+2dupT).
Molecular consequence: splice donor variant.
Genome position (GRCh38, 1-based): chr1:216,292,173, A duplicated on the plus strand (T on the coding strand, the reverse complement: USH2A is on the minus strand). VCF-style (leftmost placement, unchanged base first): chr1-216292172-T-TA. GRCh37 (hg19) VCF-style: chr1-216465514-T-TA.
Other names: c.1840+2dup (NM_007123.6).
Identifiers: ClinVar variation 2120769 (VCV002120769.4), dbSNP rs2528256183, ClinGen allele CA2580062152.

ClinVar aggregate classification (germline): Uncertain significance (1 of 4 stars; one submission).

Submission:

Labcorp Genetics (formerly Invitae), Labcorp
Classification: Uncertain significance. Last evaluated: 2022-04-01. Review status: criteria provided, single submitter. Criteria: Invitae Variant Classification Sherloc (09022015). Collection method: clinical testing. Allele origin: germline.
Comment: This sequence change falls in intron 10 of the USH2A gene. It does not directly change the encoded amino acid sequence of the USH2A protein. It affects a nucleotide within the consensus splice site. This variant is not present in population databases (gnomAD no frequency). This variant has not been reported in the literature in individuals affected with USH2A-related conditions. Variants that disrupt the consensus splice site are a relatively common cause of aberrant splicing (PMID: 17576681, 9536098). Algorithms developed to predict the effect of sequence changes on RNA splicing suggest that this variant may disrupt the consensus splice site. In summary, the available evidence is currently insufficient to determine the role of this variant in disease. Therefore, it has been classified as a Variant of Uncertain Significance.

Literature cited by the submitters: PubMed 17576681; PubMed 9536098.